The following is an entry in ClinVar:

ClinVar aggregate classification (germline): Uncertain significance. Review status: criteria provided, multiple submitters, no conflicts (2 of 4 stars). 4 submissions from 4 submitters: Uncertain significance (3). 1 of the submissions does not count toward it. Last evaluated 2025-10-07.

Conditions:
Usher syndrome type 1F (USH1F). Also called: USHER SYNDROME, TYPE IF. Identifiers: Orphanet 231169, Orphanet 886, MedGen C1865885, MONDO:0011186, OMIM 602083.
Inborn genetic diseases. Identifiers: MedGen C0950123, MeSH D030342.

Allele frequency attached by ClinVar (database versions not stated): gnomAD exomes 0.00001; ExAC 0.00003; gnomAD 0.00005 and 0.00007; TOPMed 0.00005; ESP Exome Variant Server 0.00008.
gnomAD v4.1: 24 of 1,614,028 alleles (0.0015%); highest among the groups gnomAD compares: African/African-American, 0.012%; no homozygotes.

Submissions (4):

Ambry Genetics
Classification: Uncertain significance for Inborn genetic diseases. Last evaluated: 2025-10-07. Review status: criteria provided, single submitter. Criteria: Ambry Variant Classification Scheme 2023. Collection method: clinical testing. Allele origin: germline.

Labcorp Genetics (formerly Invitae), Labcorp
Classification: Uncertain significance. Last evaluated: 2022-08-16. Review status: criteria provided, single submitter. Criteria: Invitae Variant Classification Sherloc (09022015). Collection method: clinical testing. Allele origin: germline.
Comment: This sequence change replaces tyrosine, which is neutral and polar, with cysteine, which is neutral and slightly polar, at codon 684 of the PCDH15 protein (p.Tyr684Cys). This variant is present in population databases (rs372076259, gnomAD 0.01%). This variant has not been reported in the literature in individuals affected with PCDH15-related conditions. ClinVar contains an entry for this variant (Variation ID: 164922). Algorithms developed to predict the effect of missense changes on protein structure and function are either unavailable or do not agree on the potential impact of this missense change (SIFT: "Deleterious"; PolyPhen-2: "Probably Damaging"; Align-GVGD: "Class C0"). In summary, the available evidence is currently insufficient to determine the role of this variant in disease. Therefore, it has been classified as a Variant of Uncertain Significance.

Laboratory for Molecular Medicine, Mass General Brigham Personalized Medicine
Classification: Uncertain significance. Last evaluated: 2014-08-21. Review status: criteria provided, single submitter. Criteria: LMM Criteria. Collection method: clinical testing. Allele origin: germline. Observed: 1 variant allele.
Comment: The Tyr684Cys variant in PCDH15 has not been previously reported in individuals with hearing loss, but has been identified in 0.02% (1/4406) of African American chromosomes by the NHLBI Exome Sequencing Project (/EVS/; dbSNP rs372076259). Although this variant has been seen in the general po pulation, its frequency is not high enough to rule out a pathogenic role. Comput ational prediction tools and conservation analyses suggest that the Tyr684Cys va riant may impact the protein, though this information is not predictive enough t o determine pathogenicity. In summary, the clinical significance of the Tyr684Cy s variant is uncertain.

Natera, Inc.
Classification: Uncertain significance for Usher syndrome type 1F. Last evaluated: 2019-11-11. Review status: no assertion criteria provided. Collection method: clinical testing. Allele origin: germline. Not counted in ClinVar's aggregate classification.

NM_001384140.1(PCDH15):c.2051A>G (p.Tyr684Cys)

Gene: PCDH15 (protocadherin related 15; minus strand). Cytogenetic location: 10q21.1.
Variant type: single nucleotide variant.
Coding change: c.2051A>G on transcript NM_001384140.1 (MANE Select); coding-DNA position 2051, A replaced by G.
Protein change: p.Tyr684Cys; replaces tyrosine 684 with cysteine.
Molecular consequence: missense variant.
Genome position (GRCh38, 1-based): chr10:54,079,371, T>C on the plus strand (A>G on the coding strand, the complement: PCDH15 is on the minus strand). VCF-style: chr10-54079371-T-C. GRCh37 (hg19) VCF-style: chr10-55839131-T-C.
Other names: c.2051A>G, p.Tyr684Cys (NM_001354420.2, NM_001354429.2, NM_001354430.2 and 5 more transcripts); c.2087A>G, p.Tyr696Cys (NM_001142769.4); c.2066A>G, p.Tyr689Cys (NM_001142771.2, NM_001142763.2); c.1985A>G, p.Tyr662Cys (NM_001142773.2, NM_001354404.2, NM_001142768.2); c.2072A>G, p.Tyr691Cys (NM_001354411.2); c.1838A>G, p.Tyr613Cys (NM_001142765.2); c.1940A>G, p.Tyr647Cys (NM_001142767.2); short protein forms Y684C, Y689C, Y696C, Y691C, Y613C, Y662C, Y647C.
Identifiers: ClinVar variation 164922 (VCV000164922.14), dbSNP rs372076259, ClinGen allele CA177598.
Genomic context (GRCh38, chr10:54,079,371, plus strand): 5'-TTCACAGGGAGCATACTCACCCCATCTGGCCTGCCATCTGAAGCTGTGATGATCAGAATG[T>C]AGCGATCAGTGCTTTCCCTGTCCAGTGCTTTCCCTAAGGTTAGAATCCCCGTGCTAGTGA-3'
Protein context (NP_001371069.1, residues 674-694): KALDRESTDR[Tyr684Cys]ILIITASDGR